The following is an entry in ClinVar:

NM_000391.4(TPP1):c.101G>C (p.Gly34Ala)

Gene: TPP1 (tripeptidyl peptidase 1; minus strand). Cytogenetic location: 11p15.4.
Variant type: single nucleotide variant.
Coding change: c.101G>C on transcript NM_000391.4 (MANE Select); coding-DNA position 101, G replaced by C.
Protein change: p.Gly34Ala; replaces glycine 34 with alanine.
Molecular consequence: missense variant.
Genome position (GRCh38, 1-based): chr11:6,618,904, C>G on the plus strand (G>C on the coding strand, the complement: TPP1 is on the minus strand). VCF-style: chr11-6618904-C-G. GRCh37 (hg19) VCF-style: chr11-6640135-C-G.
Other names: short protein forms G34A.
Identifiers: ClinVar variation 1374137 (VCV001374137.5), dbSNP rs138448968, ClinGen allele CA5859051.

ClinVar aggregate classification (germline): Uncertain significance (1 of 4 stars; one submission).

gnomAD v4.1: 2 of 1,613,272 alleles (0.00012%); highest among the groups gnomAD compares: Non-Finnish European, 0.00017%; no homozygotes.

Submission:

Labcorp Genetics (formerly Invitae), Labcorp
Classification: Uncertain significance. Last evaluated: 2022-10-17. Review status: criteria provided, single submitter. Criteria: Invitae Variant Classification Sherloc (09022015). Collection method: clinical testing. Allele origin: germline.
Comment: This sequence change replaces glycine, which is neutral and non-polar, with alanine, which is neutral and non-polar, at codon 34 of the TPP1 protein (p.Gly34Ala). This variant is present in population databases (rs138448968, gnomAD 0.0009%). This variant has not been reported in the literature in individuals affected with TPP1-related conditions. ClinVar contains an entry for this variant (Variation ID: 1374137). Advanced modeling of protein sequence and biophysical properties (such as structural, functional, and spatial information, amino acid conservation, physicochemical variation, residue mobility, and thermodynamic stability) has been performed at Invitae for this missense variant, however the output from this modeling did not meet the statistical confidence thresholds required to predict the impact of this variant on TPP1 protein function. In summary, the available evidence is currently insufficient to determine the role of this variant in disease. Therefore, it has been classified as a Variant of Uncertain Significance.